The following is an entry in ClinVar:

NM_153000.5(APCDD1):c.506G>A (p.Arg169His)

Gene: APCDD1 (APC down-regulated 1; plus strand). Cytogenetic location: 18p11.22.
Variant type: single nucleotide variant.
Coding change: c.506G>A on transcript NM_153000.5 (MANE Select); coding-DNA position 506, G replaced by A.
Protein change: p.Arg169His; replaces arginine 169 with histidine.
Molecular consequence: missense variant.
Genome position (GRCh38, 1-based): chr18:10,471,793, G>A. VCF-style: chr18-10471793-G-A. GRCh37 (hg19) VCF-style: chr18-10471790-G-A.
Other names: c.506G>A (NM_153000.4); short protein forms R169H.
Identifiers: ClinVar variation 2962624 (VCV002962624.4), dbSNP rs550080767, ClinGen allele CA295977395.

ClinVar aggregate classification (germline): Uncertain significance. Review status: criteria provided, multiple submitters, no conflicts (2 of 4 stars). 2 submissions from 2 submitters: Uncertain significance (2). Last evaluated 2024-03-25.

Allele frequency attached by ClinVar (database versions not stated): gnomAD 0.00007; TOPMed 0.00011; 1000 Genomes Project 0.00020; 1000 Genomes Project 30x 0.00031.

Submissions (2):

Ambry Genetics
Classification: Uncertain significance. Last evaluated: 2024-03-25. Review status: criteria provided, single submitter. Criteria: Ambry Variant Classification Scheme 2023. Collection method: clinical testing. Allele origin: germline.

Labcorp Genetics (formerly Invitae), Labcorp
Classification: Uncertain significance. Last evaluated: 2023-02-01. Review status: criteria provided, single submitter. Criteria: Invitae Variant Classification Sherloc (09022015). Collection method: clinical testing. Allele origin: germline.
Comment: This sequence change replaces arginine, which is basic and polar, with histidine, which is basic and polar, at codon 169 of the APCDD1 protein (p.Arg169His). This variant is present in population databases (rs550080767, gnomAD 0.008%). This variant has not been reported in the literature in individuals affected with APCDD1-related conditions. Advanced modeling of protein sequence and biophysical properties (such as structural, functional, and spatial information, amino acid conservation, physicochemical variation, residue mobility, and thermodynamic stability) performed at Invitae indicates that this missense variant is not expected to disrupt APCDD1 protein function. In summary, the available evidence is currently insufficient to determine the role of this variant in disease. Therefore, it has been classified as a Variant of Uncertain Significance.